The following is an entry in ClinVar:

ClinVar aggregate classification (germline): Uncertain significance. Review status: criteria provided, multiple submitters, no conflicts (2 of 4 stars). 2 submissions from 2 submitters: Uncertain significance (2). Last evaluated 2025-01-06.

Conditions:
Inborn genetic diseases. Identifiers: MedGen C0950123, MeSH D030342.
Jeune thoracic dystrophy. Also called: Jeune syndrome; Infantile thoracic dystrophy; Thoracic pelvic phalangeal dystrophy; Jeune's syndrome; Chondroectodermal dysplasia-like syndrome; Short-rib thoracic dysplasia. Identifiers: Orphanet 474, MedGen C0265275, MONDO:0018770.

Allele frequency attached by ClinVar (database versions not stated): TOPMed 0.00001; gnomAD 0.00002.
gnomAD v4.1: 18 of 1,613,418 alleles (0.0011%); highest among the groups gnomAD compares: East Asian, 0.04%; no homozygotes.

Submissions (2):

Labcorp Genetics (formerly Invitae), Labcorp
Classification: Uncertain significance for Jeune thoracic dystrophy. Last evaluated: 2025-01-06. Review status: criteria provided, single submitter. Criteria: Invitae Variant Classification Sherloc (09022015). Collection method: clinical testing. Allele origin: germline.
Comment: This sequence change replaces valine, which is neutral and non-polar, with phenylalanine, which is neutral and non-polar, at codon 1258 of the DYNC2H1 protein (p.Val1258Phe). This variant is present in population databases (rs746130780, gnomAD 0.07%). This variant has not been reported in the literature in individuals affected with DYNC2H1-related conditions. ClinVar contains an entry for this variant (Variation ID: 3086479). Invitae Evidence Modeling of protein sequence and biophysical properties (such as structural, functional, and spatial information, amino acid conservation, physicochemical variation, residue mobility, and thermodynamic stability) has been performed for this missense variant. However, the output from this modeling did not meet the statistical confidence thresholds required to predict the impact of this variant on DYNC2H1 protein function. In summary, the available evidence is currently insufficient to determine the role of this variant in disease. Therefore, it has been classified as a Variant of Uncertain Significance.

Ambry Genetics
Classification: Uncertain significance for Inborn genetic diseases. Last evaluated: 2024-02-17. Review status: criteria provided, single submitter. Criteria: Ambry Variant Classification Scheme 2023. Collection method: clinical testing. Allele origin: germline.

NM_001377.3(DYNC2H1):c.3772G>T (p.Val1258Phe)

Gene: DYNC2H1 (dynein cytoplasmic 2 heavy chain 1; plus strand). Cytogenetic location: 11q22.3.
Variant type: single nucleotide variant.
Coding change: c.3772G>T on transcript NM_001377.3 (MANE Select); coding-DNA position 3772, G replaced by T.
Protein change: p.Val1258Phe; replaces valine 1258 with phenylalanine.
Molecular consequence: missense variant.
Genome position (GRCh38, 1-based): chr11:103,156,415, G>T. VCF-style: chr11-103156415-G-T. GRCh37 (hg19) VCF-style: chr11-103027144-G-T.
Other names: c.3772G>T, p.Val1258Phe (NM_001080463.2); short protein forms V1258F.
Identifiers: ClinVar variation 3086479 (VCV003086479.3), dbSNP rs746130780, ClinGen allele CA6253408.